The following is an entry in ClinVar:

NM_016026.4(RDH11):c.121G>A (p.Gly41Arg)

Genes: GPHN (gephyrin; plus strand), RDH11 (retinol dehydrogenase 11; minus strand). Cytogenetic location: 14q24.1.
Variant type: single nucleotide variant.
Coding change: c.121G>A on transcript NM_016026.4 (MANE Select); coding-DNA position 121, G replaced by A.
Protein change: p.Gly41Arg; replaces glycine 41 with arginine.
Molecular consequence: missense variant.
Genome position (GRCh38, 1-based): chr14:67,693,006, C>T on the plus strand (G>A on the coding strand, the complement: RDH11 is on the minus strand). VCF-style: chr14-67693006-C-T. GRCh37 (hg19) VCF-style: chr14-68159723-C-T.
Other names: c.121G>A, p.Gly41Arg (NM_001252650.2); c.121G>A (NM_016026.3); short protein forms G41R.
Identifiers: ClinVar variation 1038708 (VCV001038708.9), dbSNP rs772618098, ClinGen allele CA7238495.

ClinVar aggregate classification (germline): Uncertain significance. Review status: criteria provided, multiple submitters, no conflicts (2 of 4 stars). 2 submissions from 2 submitters: Uncertain significance (2). Last evaluated 2025-08-26.

Allele frequency attached by ClinVar (database versions not stated): gnomAD 0.00001; gnomAD exomes 0.00001 and 0.00002; TOPMed 0.00001; ExAC 0.00002.
gnomAD v4.1: 14 of 1,614,048 alleles (0.00087%); highest among the groups gnomAD compares: South Asian, 0.0055%; no homozygotes.

Submissions (2):

Ambry Genetics
Classification: Uncertain significance. Last evaluated: 2025-08-26. Review status: criteria provided, single submitter. Criteria: Ambry Variant Classification Scheme 2023. Collection method: clinical testing. Allele origin: germline.

Labcorp Genetics (formerly Invitae), Labcorp
Classification: Uncertain significance. Last evaluated: 2024-11-05. Review status: criteria provided, single submitter. Criteria: Invitae Variant Classification Sherloc (09022015). Collection method: clinical testing. Allele origin: germline.
Comment: This sequence change replaces glycine, which is neutral and non-polar, with arginine, which is basic and polar, at codon 41 of the RDH11 protein (p.Gly41Arg). This variant is present in population databases (rs772618098, gnomAD 0.006%). This variant has not been reported in the literature in individuals affected with RDH11-related conditions. ClinVar contains an entry for this variant (Variation ID: 1038708). An algorithm developed to predict the effect of missense changes on protein structure and function (PolyPhen-2) suggests that this variant is likely to be disruptive. In summary, the available evidence is currently insufficient to determine the role of this variant in disease. Therefore, it has been classified as a Variant of Uncertain Significance.